The following is an entry in ClinVar:

ClinVar aggregate classification (germline): Benign (1 of 4 stars; one submission).

Conditions:
Renal tubular dysgenesis. Also called: Renotubular dysgenesis. Identifiers: Orphanet 3033, MedGen C0266313, MONDO:0017609, HP:0008660.

Allele frequency attached by ClinVar (database versions not stated): TOPMed 0.00993; gnomAD exomes 0.00090 and 0.00210; ExAC 0.00260; 1000 Genomes Project 0.00819; gnomAD 0.00885 and 0.00946; 1000 Genomes Project 30x 0.00906; ESP Exome Variant Server 0.00959.
gnomAD v4.1: 2,623 of 1,515,112 alleles (0.17%); highest among the groups gnomAD compares: African/African-American, 3%; 24 homozygotes.

Submission:

Illumina Laboratory Services, Illumina
Classification: Benign for Renal tubular dysgenesis of genetic origin. Last evaluated: 2017-04-27. Review status: criteria provided, single submitter. Criteria: ICSL Variant Classification Criteria 13 December 2019. Collection method: clinical testing. Allele origin: germline.
Comment: This variant was observed as part of a predisposition screen in an ostensibly healthy population. A literature search was performed for the gene, cDNA change, and amino acid change (where applicable). No publications were found based on this search. Allele frequency data from public databases was too high to be consistent with this variant causing disease. Therefore, this variant is classified as benign.

NM_000685.5(AGTR1):c.*93A>G

Gene: AGTR1 (angiotensin II receptor type 1; plus strand). Cytogenetic location: 3q24.
Variant type: single nucleotide variant.
Coding change: c.*93A>G on transcript NM_000685.5 (MANE Select); 93 bases downstream of the stop codon, A replaced by G.
Molecular consequence: 3 prime UTR variant.
Genome position (GRCh38, 1-based): chr3:148,742,208, A>G. VCF-style: chr3-148742208-A-G. GRCh37 (hg19) VCF-style: chr3-148459995-A-G.
Other names: c.*93A>G (NM_001382736.1, NM_001382737.1, NM_004835.5 and 3 more transcripts).
Identifiers: ClinVar variation 901433 (VCV000901433.4), dbSNP rs5187, ClinGen allele CA2657459.